The following is an entry in ClinVar:

NM_001082971.2(DDC):c.121C>A (p.Leu41Met)

Gene: DDC (dopa decarboxylase; minus strand). Cytogenetic location: 7p12.1.
Variant type: single nucleotide variant.
Coding change: c.121C>A on transcript NM_001082971.2 (MANE Select); coding-DNA position 121, C replaced by A.
Protein change: p.Leu41Met; replaces leucine 41 with methionine.
Molecular consequence: missense variant.
Genome position (GRCh38, 1-based): chr7:50,543,965, G>T on the plus strand (C>A on the coding strand, the complement: DDC is on the minus strand). VCF-style: chr7-50543965-G-T. GRCh37 (hg19) VCF-style: chr7-50611663-G-T.
Other names: c.121C>A, p.Leu41Met (NM_001242886.2, NM_001242887.2, NM_001242888.2 and 3 more transcripts); short protein forms L41M.
Identifiers: ClinVar variation 235249 (VCV000235249.12), dbSNP rs748932346, ClinGen allele CA4262493.
Genomic context (GRCh38, chr7:50,543,965, plus strand): 5'-CAACGTCGTTGATGATGTCCTCAAACGTGTCTGGCTCCTGAGGGGCAGCGGCAGGGATCA[G>T]CGGCCGCAGGTACCCGGGCTCCACGTCAGGGTAGACCTGGCGTCCCTCAATGCCTTCCAT-3'
Protein context (NP_001076440.2, residues 31-51): PDVEPGYLRP[Leu41Met]IPAAAPQEPD

ClinVar aggregate classification (germline): Uncertain significance. Review status: criteria provided, multiple submitters, no conflicts (2 of 4 stars). 7 submissions from 7 submitters: Uncertain significance (5). 2 of the submissions do not count toward it. Last evaluated 2026-04-30.

Conditions:
Deficiency of aromatic-L-amino-acid decarboxylase. Also called: AADC DEFICIENCY; Aromatic amino acid decarboxylase deficiency; Aromatic L-Amino Acid Decarboxylase Deficiency; DDC DEFICIENCY; DOPA DECARBOXYLASE DEFICIENCY. Identifiers: Orphanet 35708, MedGen C1291564, MONDO:0012084, OMIM 608643.

Allele frequency attached by ClinVar (database versions not stated): TOPMed 0.00010; gnomAD exomes 0.00011 and 0.00007; gnomAD 0.00008 and 0.00007; ExAC 0.00011.
gnomAD v4.1: 116 of 1,614,082 alleles (0.0072%); highest among the groups gnomAD compares: Admixed American, 0.035%; no homozygotes.

Submissions (7):

GeneDx
Classification: Uncertain significance. Last evaluated: 2026-04-30. Review status: criteria provided, single submitter. Criteria: GeneDx Variant Classification Process June 2021. Collection method: clinical testing. Allele origin: germline.
Comment: In silico analysis indicates that this missense variant does not alter protein structure/function; This variant is associated with the following publications: (PMID: 36427457, Marchese[article]2021, 37348148)

Labcorp Genetics (formerly Invitae), Labcorp
Classification: Uncertain significance for Deficiency of aromatic-L-amino-acid decarboxylase. Last evaluated: 2022-09-13. Review status: criteria provided, single submitter. Criteria: Invitae Variant Classification Sherloc (09022015). Collection method: clinical testing. Allele origin: germline.
Comment: This sequence change replaces leucine, which is neutral and non-polar, with methionine, which is neutral and non-polar, at codon 41 of the DDC protein (p.Leu41Met). This variant is present in population databases (rs748932346, gnomAD 0.04%). This variant has not been reported in the literature in individuals affected with DDC-related conditions. ClinVar contains an entry for this variant (Variation ID: 235249). Advanced modeling of protein sequence and biophysical properties (such as structural, functional, and spatial information, amino acid conservation, physicochemical variation, residue mobility, and thermodynamic stability) performed at Invitae indicates that this missense variant is not expected to disrupt DDC protein function. In summary, the available evidence is currently insufficient to determine the role of this variant in disease. Therefore, it has been classified as a Variant of Uncertain Significance.

Department of Pathology and Laboratory Medicine, Sinai Health System
Classification: Uncertain significance for aromatic L-amino acid decarboxylase deficiency. Last evaluated: 2022-03-24. Review status: criteria provided, single submitter. Criteria: ACMG Guidelines, 2015. Collection method: research. Allele origin: germline.

Center for Pediatric Genomic Medicine, Children's Mercy Hospital and Clinics
Classification: Uncertain significance. Last evaluated: 2015-09-17. Review status: criteria provided, single submitter. Criteria: ACMG Guidelines, 2015. Collection method: clinical testing. Allele origin: germline.
ClinVar note: Converted during submission from Uncertain Significance to Uncertain significance.

Breakthrough Genomics
Classification: Uncertain significance. Review status: criteria provided, single submitter. Criteria: ACMG Guidelines, 2015. Collection method: not provided. Allele origin: germline. Inheritance: Autosomal recessive inheritance. Affected: yes.

Clinical Genetics DNA and cytogenetics Diagnostics Lab, Erasmus MC, Erasmus Medical Center
Classification: Uncertain significance. Review status: no assertion criteria provided. Collection method: clinical testing. Allele origin: germline. Affected: yes. Study: VKGL Data-share Consensus. Not counted in ClinVar's aggregate classification.

Laboratory of Diagnostic Genome Analysis, Leiden University Medical Center (LUMC)
Classification: Uncertain significance. Review status: no assertion criteria provided. Collection method: clinical testing. Allele origin: germline. Affected: yes. Study: VKGL Data-share Consensus. Not counted in ClinVar's aggregate classification.